The following is an entry in ClinVar:

ClinVar aggregate classification (germline): Uncertain significance (1 of 4 stars; one submission).

Conditions:
Dilated cardiomyopathy 1KK (CMD1KK). Identifiers: Orphanet 154, Orphanet 75249, MedGen C3714995, MONDO:0014100, OMIM 615248.

Allele frequency attached by ClinVar (database versions not stated): TOPMed below 0.00001.
gnomAD v4.1: 3 of 1,612,674 alleles (0.00019%); highest among the groups gnomAD compares: Non-Finnish European, 0.00025%; no homozygotes.

Submission:

Labcorp Genetics (formerly Invitae), Labcorp
Classification: Uncertain significance for Dilated cardiomyopathy 1KK. Last evaluated: 2021-07-14. Review status: criteria provided, single submitter. Criteria: Invitae Variant Classification Sherloc (09022015). Collection method: clinical testing. Allele origin: germline.
Comment: In summary, the available evidence is currently insufficient to determine the role of this variant in disease. Therefore, it has been classified as a Variant of Uncertain Significance. Algorithms developed to predict the effect of missense changes on protein structure and function are either unavailable or do not agree on the potential impact of this missense change (SIFT: "Deleterious"; PolyPhen-2: "Benign"; Align-GVGD: "Class C0"). This sequence change replaces alanine with threonine at codon 8 of the MYPN protein (p.Ala8Thr). The alanine residue is highly conserved and there is a small physicochemical difference between alanine and threonine. This variant is not present in population databases (ExAC no frequency). This variant has not been reported in the literature in individuals affected with MYPN-related conditions.

NM_032578.4(MYPN):c.22G>A (p.Ala8Thr)

Gene: MYPN (myopalladin; plus strand). Cytogenetic location: 10q21.3.
Variant type: single nucleotide variant.
Coding change: c.22G>A on transcript NM_032578.4 (MANE Select); coding-DNA position 22, G replaced by A.
Protein change: p.Ala8Thr; replaces alanine 8 with threonine.
Molecular consequence: missense variant. On other transcripts: 5 prime UTR variant (1), non-coding transcript variant (1).
Genome position (GRCh38, 1-based): chr10:68,121,460, G>A. VCF-style: chr10-68121460-G-A. GRCh37 (hg19) VCF-style: chr10-69881217-G-A.
Other names: c.22G>A, p.Ala8Thr (NM_001256267.2); c.-1101G>A (NM_001256268.2); short protein forms A8T.
Identifiers: ClinVar variation 1477999 (VCV001477999.8), dbSNP rs2042239747, ClinGen allele CA377103450.